The following is an entry in ClinVar:

ClinVar aggregate classification (germline): Uncertain significance (1 of 4 stars; one submission).

Allele frequency attached by ClinVar (database versions not stated): gnomAD exomes below 0.00001.
gnomAD v4.1: 1 of 1,614,224 alleles (0.000062%); highest among the groups gnomAD compares: South Asian, 0.0011%; no homozygotes.

Submission:

Labcorp Genetics (formerly Invitae), Labcorp
Classification: Uncertain significance. Last evaluated: 2024-04-05. Review status: criteria provided, single submitter. Criteria: Invitae Variant Classification Sherloc (09022015). Collection method: clinical testing. Allele origin: germline.
Comment: This sequence change replaces arginine, which is basic and polar, with glycine, which is neutral and non-polar, at codon 523 of the KANK1 protein (p.Arg523Gly). This variant is not present in population databases (gnomAD no frequency). This variant has not been reported in the literature in individuals affected with KANK1-related conditions. ClinVar contains an entry for this variant (Variation ID: 2134298). Advanced modeling of protein sequence and biophysical properties (such as structural, functional, and spatial information, amino acid conservation, physicochemical variation, residue mobility, and thermodynamic stability) performed at Invitae indicates that this missense variant is expected to disrupt KANK1 protein function with a positive predictive value of 80%. In summary, the available evidence is currently insufficient to determine the role of this variant in disease. Therefore, it has been classified as a Variant of Uncertain Significance.

NM_015158.5(KANK1):c.1567A>G (p.Arg523Gly)

Gene: KANK1 (KN motif and ankyrin repeat domains 1; plus strand). Cytogenetic location: 9p24.3.
Variant type: single nucleotide variant.
Coding change: c.1567A>G on transcript NM_015158.5 (MANE Select); coding-DNA position 1567, A replaced by G.
Protein change: p.Arg523Gly; replaces arginine 523 with glycine.
Molecular consequence: missense variant. On other transcripts: non-coding transcript variant (1).
Genome position (GRCh38, 1-based): chr9:712,333, A>G. VCF-style: chr9-712333-A-G. GRCh37 (hg19) VCF-style: chr9-712333-A-G.
Other names: c.1567A>G, p.Arg523Gly (NM_001256876.3, NM_001256877.3, NM_001354331.2 and 2 more transcripts); c.1093A>G, p.Arg365Gly (NM_001354333.2, NM_001354335.2, NM_001354336.2 and 9 more transcripts); short protein forms R523G, R365G.
Identifiers: ClinVar variation 2134298 (VCV002134298.4), dbSNP rs2539734923, ClinGen allele CA372748493.